The following is an entry in ClinVar:

ClinVar aggregate classification (germline): Uncertain significance (1 of 4 stars; one submission).

Submission:

GeneDx
Classification: Uncertain significance. Last evaluated: 2024-09-29. Review status: criteria provided, single submitter. Criteria: GeneDx Variant Classification Process June 2021. Collection method: clinical testing. Allele origin: germline. Affected: yes.
Comment: Not observed at significant frequency in large population cohorts (gnomAD); In silico analysis indicates that this missense variant does not alter protein structure/function; Has not been previously published as pathogenic or benign to our knowledge

NM_003470.3(USP7):c.2929T>G (p.Leu977Val)

Gene: USP7 (ubiquitin specific peptidase 7; minus strand). Cytogenetic location: 16p13.2.
Variant type: single nucleotide variant.
Coding change: c.2929T>G on transcript NM_003470.3 (MANE Select); coding-DNA position 2929, T replaced by G.
Protein change: p.Leu977Val; replaces leucine 977 with valine.
Molecular consequence: missense variant. On other transcripts: non-coding transcript variant (1).
Genome position (GRCh38, 1-based): chr16:8,895,141, A>C on the plus strand (T>G on the coding strand, the complement: USP7 is on the minus strand). VCF-style: chr16-8895141-A-C. GRCh37 (hg19) VCF-style: chr16-8988998-A-C.
Other names: c.2881T>G, p.Leu961Val (NM_001286457.2); c.2632T>G, p.Leu878Val (NM_001286458.2); c.2755T>G, p.Leu919Val (NM_001321858.2); short protein forms L878V, L919V, L961V, L977V.
Identifiers: ClinVar variation 3774993 (VCV003774993.1).